The following is an entry in ClinVar:

ClinVar aggregate classification (germline): Likely benign. Review status: criteria provided, multiple submitters, no conflicts (2 of 4 stars). 2 submissions from 2 submitters: Likely benign (2). Last evaluated 2025-09-22.

Conditions:
Megalencephaly-polymicrogyria-postaxial polydactyly-hydrocephalus syndrome. Also called: MEG-PMG-MEGACC SYNDROME; MPPH Syndrome. Identifiers: Orphanet 83473, MedGen C1863924, MONDO:0019375.

gnomAD v4.1: 13 of 1,507,246 alleles (0.00086%); highest among the groups gnomAD compares: Admixed American, 0.0043%; no homozygotes.

Submissions (2):

Labcorp Genetics (formerly Invitae), Labcorp
Classification: Likely benign for Megalencephaly-polymicrogyria-postaxial polydactyly-hydrocephalus syndrome. Last evaluated: 2025-09-22. Review status: criteria provided, single submitter. Criteria: Invitae Variant Classification Sherloc (09022015). Collection method: clinical testing. Allele origin: germline.

CeGaT Center for Human Genetics Tuebingen
Classification: Likely benign. Last evaluated: 2022-12-01. Review status: criteria provided, single submitter. Criteria: CeGaT Center For Human Genetics Tuebingen Variant Classification Criteria Version 2. Collection method: clinical testing. Allele origin: germline. Affected: yes. Observed: 1 variant allele.
Comment: PIK3R2: BP4, BP7

NM_005027.4(PIK3R2):c.2172G>A (p.Pro724=)

Gene: PIK3R2 (phosphoinositide-3-kinase regulatory subunit 2; plus strand). Cytogenetic location: 19p13.11.
Variant type: single nucleotide variant.
Coding change: c.2172G>A on transcript NM_005027.4 (MANE Select); coding-DNA position 2172, G replaced by A.
Protein change: p.Pro724=; no amino-acid change (proline 724 retained).
Molecular consequence: synonymous variant. On other transcripts: non-coding transcript variant (2).
Genome position (GRCh38, 1-based): chr19:18,169,279, G>A. VCF-style: chr19-18169279-G-A. GRCh37 (hg19) VCF-style: chr19-18280089-G-A.
Identifiers: ClinVar variation 2649572 (VCV002649572.26), dbSNP rs1473627509, ClinGen allele CA506021641.